The following is an entry in ClinVar:

NM_001330311.2(DVL1):c.881G>A (p.Arg294His)

Gene: DVL1 (dishevelled segment polarity protein 1; minus strand). Cytogenetic location: 1p36.33.
Variant type: single nucleotide variant.
Coding change: c.881G>A on transcript NM_001330311.2 (MANE Select); coding-DNA position 881, G replaced by A.
Protein change: p.Arg294His; replaces arginine 294 with histidine.
Molecular consequence: missense variant.
Genome position (GRCh38, 1-based): chr1:1,340,066, C>T on the plus strand (G>A on the coding strand, the complement: DVL1 is on the minus strand). VCF-style: chr1-1340066-C-T. GRCh37 (hg19) VCF-style: chr1-1275446-C-T.
Other names: c.881G>A (NM_004421.2); c.881G>A, p.Arg294His (NM_004421.3); short protein forms R294H.
Identifiers: ClinVar variation 2711792 (VCV002711792.4), dbSNP rs141522166, ClinGen allele CA520377.

ClinVar aggregate classification (germline): Uncertain significance. Review status: criteria provided, multiple submitters, no conflicts (2 of 4 stars). 2 submissions from 2 submitters: Uncertain significance (2). Last evaluated 2025-08-14.

Conditions:
Inborn genetic diseases. Identifiers: MedGen C0950123, MeSH D030342.

Allele frequency attached by ClinVar (database versions not stated): gnomAD 0.00001; gnomAD exomes 0.00001; TOPMed 0.00001; ExAC 0.00002; ESP Exome Variant Server 0.00008.
gnomAD v4.1: 18 of 1,612,680 alleles (0.0011%); highest among the groups gnomAD compares: African/African-American, 0.0027%; no homozygotes.

Submissions (2):

Ambry Genetics
Classification: Uncertain significance for Inborn genetic diseases. Last evaluated: 2025-08-14. Review status: criteria provided, single submitter. Criteria: Ambry Variant Classification Scheme 2023. Collection method: clinical testing. Allele origin: germline.

Labcorp Genetics (formerly Invitae), Labcorp
Classification: Uncertain significance. Last evaluated: 2023-06-24. Review status: criteria provided, single submitter. Criteria: Invitae Variant Classification Sherloc (09022015). Collection method: clinical testing. Allele origin: germline.
Comment: This sequence change replaces arginine, which is basic and polar, with histidine, which is basic and polar, at codon 294 of the DVL1 protein (p.Arg294His). This variant is present in population databases (rs141522166, gnomAD 0.01%). This variant has not been reported in the literature in individuals affected with DVL1-related conditions. Advanced modeling of protein sequence and biophysical properties (such as structural, functional, and spatial information, amino acid conservation, physicochemical variation, residue mobility, and thermodynamic stability) performed at Invitae indicates that this missense variant is expected to disrupt DVL1 protein function. In summary, the available evidence is currently insufficient to determine the role of this variant in disease. Therefore, it has been classified as a Variant of Uncertain Significance.